The following is an entry in ClinVar:

ClinVar aggregate classification (germline): Uncertain significance. Review status: criteria provided, multiple submitters, no conflicts (2 of 4 stars). 3 submissions from 3 submitters: Uncertain significance (3). Last evaluated 2024-07-14.

Conditions:
Cardiovascular phenotype. Identifiers: MedGen CN230736.
Long QT syndrome (LQTS). Identifiers: MedGen C0023976, MeSH D008133, MONDO:0002442. Disease mechanism: loss of function. Inheritance: Various modes of inheritance.

Allele frequency attached by ClinVar (database versions not stated): gnomAD exomes below 0.00001; gnomAD 0.00003 and 0.00004; TOPMed 0.00003; ESP Exome Variant Server 0.00008.
gnomAD v4.1: 8 of 1,613,014 alleles (0.0005%); highest among the groups gnomAD compares: African/African-American, 0.008%; no homozygotes.

Submissions (3):

Women's Health and Genetics/Laboratory Corporation of America, LabCorp
Classification: Uncertain significance. Last evaluated: 2024-07-14. Review status: criteria provided, single submitter. Criteria: LabCorp Variant Classification Summary - May 2015. Collection method: clinical testing. Allele origin: germline.

Labcorp Genetics (formerly Invitae), Labcorp
Classification: Uncertain significance for Long QT syndrome. Last evaluated: 2024-03-02. Review status: criteria provided, single submitter. Criteria: Invitae Variant Classification Sherloc (09022015). Collection method: clinical testing. Allele origin: germline.
Comment: This sequence change replaces cysteine, which is neutral and slightly polar, with tyrosine, which is neutral and polar, at codon 1895 of the AKAP9 protein (p.Cys1895Tyr). This variant is not present in population databases (gnomAD no frequency). This variant has not been reported in the literature in individuals affected with AKAP9-related conditions. ClinVar contains an entry for this variant (Variation ID: 1014958). An algorithm developed to predict the effect of missense changes on protein structure and function (PolyPhen-2) suggests that this variant is likely to be disruptive. In summary, the available evidence is currently insufficient to determine the role of this variant in disease. Therefore, it has been classified as a Variant of Uncertain Significance.

Ambry Genetics
Classification: Uncertain significance for Cardiovascular phenotype. Last evaluated: 2023-05-21. Review status: criteria provided, single submitter. Criteria: Ambry Variant Classification Scheme 2023. Collection method: clinical testing. Allele origin: germline.
Comment: The p.C1895Y variant (also known as c.5684G>A), located in coding exon 23 of the AKAP9 gene, results from a G to A substitution at nucleotide position 5684. The cysteine at codon 1895 is replaced by tyrosine, an amino acid with highly dissimilar properties. This amino acid position is not well conserved in available vertebrate species. In addition, this alteration is predicted to be tolerated by in silico analysis. Since supporting evidence is limited at this time, the clinical significance of this alteration remains unclear.

NM_005751.5(AKAP9):c.5684G>A (p.Cys1895Tyr)

Gene: AKAP9 (A-kinase anchoring protein 9; plus strand). Cytogenetic location: 7q21.2.
Variant type: single nucleotide variant.
Coding change: c.5684G>A on transcript NM_005751.5 (MANE Select); coding-DNA position 5684, G replaced by A.
Protein change: p.Cys1895Tyr; replaces cysteine 1895 with tyrosine.
Molecular consequence: missense variant.
Genome position (GRCh38, 1-based): chr7:92,061,342, G>A. VCF-style: chr7-92061342-G-A. GRCh37 (hg19) VCF-style: chr7-91690656-G-A.
Other names: c.329G>A, p.Cys110Tyr (NM_001379277.1); c.5684G>A, p.Cys1895Tyr (NM_147185.3); short protein forms C110Y, C1895Y.
Identifiers: ClinVar variation 1014958 (VCV001014958.12), dbSNP rs376670169, ClinGen allele CA161912470.